The following is an entry in ClinVar:

ClinVar aggregate classification (germline): Likely pathogenic (1 of 4 stars; one submission).

Submission:

Labcorp Genetics (formerly Invitae), Labcorp
Classification: Likely pathogenic. Last evaluated: 2023-08-18. Review status: criteria provided, single submitter. Criteria: Invitae Variant Classification Sherloc (09022015). Collection method: clinical testing. Allele origin: germline.
Comment: Advanced modeling of protein sequence and biophysical properties (such as structural, functional, and spatial information, amino acid conservation, physicochemical variation, residue mobility, and thermodynamic stability) performed at Invitae indicates that this missense variant is expected to disrupt COL2A1 protein function. ClinVar contains an entry for this variant (Variation ID: 2063668). This missense change has been observed in individual(s) with clinical features of Stickler syndrome (Invitae). This variant is not present in population databases (gnomAD no frequency). This sequence change replaces glycine, which is neutral and non-polar, with cysteine, which is neutral and slightly polar, at codon 216 of the COL2A1 protein (p.Gly216Cys). This variant disrupts the triple helix domain of COL2A1. Glycine residues within the Gly-Xaa-Yaa repeats of the triple helix domain are required for the structure and stability of fibrillar collagens (PMID: 7695699, 8218237, 19344236). In COL2A1, variants affecting these glycine residues are significantly enriched in individuals with disease (PMID: 9016532, 17078022) compared to the general population (ExAC). In summary, the currently available evidence indicates that the variant is pathogenic, but additional data are needed to prove that conclusively. Therefore, this variant has been classified as Likely Pathogenic. This variant disrupts the p.Gly216 amino acid residue in COL2A1. Other variant(s) that disrupt this residue have been observed in individuals with COL2A1-related conditions (PMID: 20179744; Invitae), which suggests that this may be a clinically significant amino acid residue.

Literature cited by the submitters: PubMed 7695699; PubMed 8218237; PubMed 19344236; PubMed 9016532; PubMed 17078022; PubMed 20179744.

NM_001844.5(COL2A1):c.646G>T (p.Gly216Cys)

Gene: COL2A1 (collagen type II alpha 1 chain; minus strand). Cytogenetic location: 12q13.11.
Variant type: single nucleotide variant.
Coding change: c.646G>T on transcript NM_001844.5 (MANE Select); coding-DNA position 646, G replaced by T.
Protein change: p.Gly216Cys; replaces glycine 216 with cysteine.
Molecular consequence: missense variant.
Genome position (GRCh38, 1-based): chr12:47,995,883, C>A on the plus strand (G>T on the coding strand, the complement: COL2A1 is on the minus strand). VCF-style: chr12-47995883-C-A. GRCh37 (hg19) VCF-style: chr12-48389666-C-A.
Other names: c.439G>T, p.Gly147Cys (NM_033150.3); short protein forms G216C, G147C.
Identifiers: ClinVar variation 2063668 (VCV002063668.4), dbSNP rs2540175271, ClinGen allele CA384523854.